The following is an entry in ClinVar:

ClinVar aggregate classification (germline): Uncertain significance. Review status: criteria provided, multiple submitters, no conflicts (2 of 4 stars). 3 submissions from 3 submitters: Uncertain significance (3). Last evaluated 2025-08-19.

Conditions:
Jeune thoracic dystrophy. Also called: Jeune syndrome; Infantile thoracic dystrophy; Thoracic pelvic phalangeal dystrophy; Jeune's syndrome; Chondroectodermal dysplasia-like syndrome; Short-rib thoracic dysplasia. Identifiers: Orphanet 474, MedGen C0265275, MONDO:0018770.
Nephronophthisis. Also called: Juvenile Nephronophthisis. Identifiers: Orphanet 655, MedGen C0687120, MONDO:0019005, HP:0000090.
TTC21B-related disorder. Also called: TTC21B-related condition; TTC21B-related disorders.
Nephronophthisis 12 (NPHP12). Identifiers: Orphanet 655, MedGen C3151186, MONDO:0013442, OMIM 613820.
Asphyxiating thoracic dystrophy 4 (SRTD4). Also called: SHORT-RIB THORACIC DYSPLASIA 4 WITH OR WITHOUT POLYDACTYLY; SHORT-RIB THORACIC DYSPLASIA 4. Identifiers: Orphanet 474, MedGen C3151185, MONDO:0013441, OMIM 613819.

gnomAD v4.1: 16 of 1,610,618 alleles (0.00099%); highest among the groups gnomAD compares: Non-Finnish European, 0.0014%; no homozygotes.

Submissions (3):

PreventionGenetics, part of Exact Sciences
Classification: Uncertain significance for TTC21B-related condition. Last evaluated: 2025-08-19. Review status: criteria provided, single submitter. Criteria: ACMG Guidelines, 2015. Collection method: clinical testing. Allele origin: germline.
Comment: The TTC21B c.2135T>C variant is predicted to result in the amino acid substitution p.Phe712Ser. To our knowledge, this variant has not been reported in the literature. This variant is reported in 0.0018% of alleles in individuals of European (Non-Finnish) descent in gnomAD. At this time, the clinical significance of this variant is uncertain due to the absence of conclusive functional and genetic evidence.

Fulgent Genetics
Classification: Uncertain significance for Asphyxiating thoracic dystrophy 4; Nephronophthisis 12. Last evaluated: 2024-01-08. Review status: criteria provided, single submitter. Criteria: ACMG Guidelines, 2015. Collection method: clinical testing. Allele origin: germline.

Labcorp Genetics (formerly Invitae), Labcorp
Classification: Uncertain significance for Jeune thoracic dystrophy; Nephronophthisis. Last evaluated: 2022-07-01. Review status: criteria provided, single submitter. Criteria: Invitae Variant Classification Sherloc (09022015). Collection method: clinical testing. Allele origin: germline.
Comment: This sequence change replaces phenylalanine, which is neutral and non-polar, with serine, which is neutral and polar, at codon 712 of the TTC21B protein (p.Phe712Ser). This variant is present in population databases (no rsID available, gnomAD 0.002%). This variant has not been reported in the literature in individuals affected with TTC21B-related conditions. Algorithms developed to predict the effect of missense changes on protein structure and function are either unavailable or do not agree on the potential impact of this missense change (SIFT: "Deleterious"; PolyPhen-2: "Benign"; Align-GVGD: "Class C55"). In summary, the available evidence is currently insufficient to determine the role of this variant in disease. Therefore, it has been classified as a Variant of Uncertain Significance.

NM_024753.5(TTC21B):c.2135T>C (p.Phe712Ser)

Gene: TTC21B (tetratricopeptide repeat domain 21B; minus strand). Cytogenetic location: 2q24.3.
Variant type: single nucleotide variant.
Coding change: c.2135T>C on transcript NM_024753.5 (MANE Select); coding-DNA position 2135, T replaced by C.
Protein change: p.Phe712Ser; replaces phenylalanine 712 with serine.
Molecular consequence: missense variant.
Genome position (GRCh38, 1-based): chr2:165,915,204, A>G on the plus strand (T>C on the coding strand, the complement: TTC21B is on the minus strand). VCF-style: chr2-165915204-A-G. GRCh37 (hg19) VCF-style: chr2-166771714-A-G.
Other names: c.2135T>C (NM_024753.4); short protein forms F712S.
Identifiers: ClinVar variation 1979293 (VCV001979293.3), dbSNP rs1417670473, ClinGen allele CA349058536.